The following is an entry in ClinVar:

ClinVar aggregate classification (germline): Benign. Review status: criteria provided, multiple submitters, no conflicts (2 of 4 stars). 3 submissions from 3 submitters: Benign (2). 1 of the submissions does not count toward it. Last evaluated 2025-12-15.

Conditions:
Epidermolysis bullosa simplex 5C, with pyloric atresia (EBS5C). Also called: PLEC1-Related Epidermolysis Bullosa with Pyloric Atresia; PLEC-Related Epidermolysis Bullosa with Pyloric Atresia; Epidermolysis bullosa simplex with pyloric atresia. Identifiers: Orphanet 158684, MedGen C2677349, MONDO:0012807, OMIM 612138.
Epidermolysis bullosa simplex 5B, with muscular dystrophy (EBS5B). Also called: Epidermolysis bullosa simplex with muscular dystrophy; EPIDERMOLYSIS BULLOSA SIMPLEX AND LIMB-GIRDLE MUSCULAR DYSTROPHY. Identifiers: Orphanet 257, MedGen C2931072, MONDO:0009181, OMIM 226670.
Autosomal recessive limb-girdle muscular dystrophy type 2Q (LGMDR17). Also called: MUSCULAR DYSTROPHY, LIMB-GIRDLE, AUTOSOMAL RECESSIVE 17. Identifiers: Orphanet 254361, MedGen C3150989, MONDO:0013390, OMIM 613723.
Epidermolysis bullosa simplex with nail dystrophy (EBS5D). Identifiers: MedGen C4225309, MONDO:0014661, OMIM 616487.
Epidermolysis bullosa simplex, Ogna type (EBS5A). Also called: Pidermolysis bullosa simplex 5A, Ogna type; EPIDERMOLYSIS BULLOSA SIMPLEX 5A, OGNA TYPE. Identifiers: Orphanet 79401, MedGen C0432317, MONDO:0007555, OMIM 131950.
PLEC-related disorder. Also called: PLEC-related condition; PLEC-related disorders.

Allele frequency attached by ClinVar (database versions not stated): gnomAD 0.00057 and 0.00092; TOPMed 0.00125; 1000 Genomes Project 0.00519; 1000 Genomes Project 30x 0.00609.
gnomAD v4.1: 1,430 of 1,590,454 alleles (0.09%); highest among the groups gnomAD compares: East Asian, 2.8%; 18 homozygotes.

Submissions (3):

Labcorp Genetics (formerly Invitae), Labcorp
Classification: Benign for Autosomal recessive limb-girdle muscular dystrophy type 2Q; Epidermolysis bullosa simplex, Ogna type; Epidermolysis bullosa simplex with nail dystrophy; Epidermolysis bullosa simplex 5C, with pyloric atresia; Epidermolysis bullosa simplex 5B, with muscular dystrophy. Last evaluated: 2025-12-15. Review status: criteria provided, single submitter. Criteria: Invitae Variant Classification Sherloc (09022015). Collection method: clinical testing. Allele origin: germline.

GeneDx
Classification: Benign. Last evaluated: 2019-12-09. Review status: criteria provided, single submitter. Criteria: GeneDx Variant Classification Process June 2021. Collection method: clinical testing. Allele origin: germline. Affected: yes.
Comment: This variant is associated with the following publications: (PMID: 26320847)

PreventionGenetics, part of Exact Sciences
Classification: Benign for PLEC-related condition. Last evaluated: 2019-11-19. Review status: no assertion criteria provided. Collection method: clinical testing. Allele origin: germline. Not counted in ClinVar's aggregate classification.
Comment: This variant is classified as benign based on ACMG/AMP sequence variant interpretation guidelines (Richards et al. 2015 PMID: 25741868, with internal and published modifications).

NM_201384.3(PLEC):c.4162C>T (p.Arg1388Trp)

Gene: PLEC (plectin; minus strand). Cytogenetic location: 8q24.3.
Variant type: single nucleotide variant.
Coding change: c.4162C>T on transcript NM_201384.3 (MANE Select); coding-DNA position 4162, C replaced by T.
Protein change: p.Arg1388Trp; replaces arginine 1388 with tryptophan.
Molecular consequence: missense variant.
Genome position (GRCh38, 1-based): chr8:143,925,767, G>A on the plus strand (C>T on the coding strand, the complement: PLEC is on the minus strand). VCF-style: chr8-143925767-G-A. GRCh37 (hg19) VCF-style: chr8-144999935-G-A.
Other names: c.4243C>T, p.Arg1415Trp (NM_000445.5); c.4120C>T, p.Arg1374Trp (NM_201378.4); c.4096C>T, p.Arg1366Trp (NM_201379.3); c.4573C>T, p.Arg1525Trp (NM_201380.4); c.4066C>T, p.Arg1356Trp (NM_201381.3); c.4162C>T, p.Arg1388Trp (NM_201382.4); c.4174C>T, p.Arg1392Trp (NM_201383.3); short protein forms R1356W, R1366W, R1525W, R1388W, R1392W, R1415W, R1374W.
Identifiers: ClinVar variation 471586 (VCV000471586.15), dbSNP rs188305538, ClinGen allele CA4926749.
Genomic context (GRCh38, chr8:143,925,767, plus strand): 5'-CCGCCTCCTCCCGCCGCACCACCTCCTCCTGCATGCGCTGCTGCAGCTCCTTCGCCTCCC[G>A]CTCCGCCTGTGCCTTTGCCTGGGCGTGCGCCTCGGCCAGCTGCCGCTGCTTCTCCAGCGC-3'
Protein context (NP_958786.1, residues 1378-1398): AHAQAKAQAE[Arg1388Trp]EAKELQQRMQ